The following is an entry in ClinVar:

ClinVar aggregate classification (germline): Uncertain significance (1 of 4 stars; one submission).

Conditions:
Autosomal recessive axonal neuropathy with neuromyotonia (NMAN). Also called: Gamstorp-Wohlfart syndrome; Neuromyotonia and axonal neuropathy, autosomal recessive; MYOKYMIA, MYOTONIA, AND MUSCLE WASTING. Identifiers: Orphanet 324442, MedGen C5700127, MONDO:0007646, OMIM 137200.

Allele frequency attached by ClinVar (database versions not stated): gnomAD exomes below 0.00001; TOPMed below 0.00001.
gnomAD v4.1: 2 of 1,613,456 alleles (0.00012%); highest among the groups gnomAD compares: Non-Finnish European, 0.00017%; no homozygotes.

Submission:

Labcorp Genetics (formerly Invitae), Labcorp
Classification: Uncertain significance for Autosomal recessive axonal neuropathy with neuromyotonia. Last evaluated: 2021-09-02. Review status: criteria provided, single submitter. Criteria: Invitae Variant Classification Sherloc (09022015). Collection method: clinical testing. Allele origin: germline.
Comment: This sequence change replaces isoleucine with methionine at codon 27 of the HINT1 protein (p.Ile27Met). The isoleucine residue is highly conserved and there is a small physicochemical difference between isoleucine and methionine. This variant is not present in population databases (ExAC no frequency). This variant has not been reported in the literature in individuals affected with HINT1-related conditions. Algorithms developed to predict the effect of missense changes on protein structure and function are either unavailable or do not agree on the potential impact of this missense change (SIFT: "Deleterious"; PolyPhen-2: "Probably Damaging"; Align-GVGD: "Class C0"). In summary, the available evidence is currently insufficient to determine the role of this variant in disease. Therefore, it has been classified as a Variant of Uncertain Significance.

NM_005340.7(HINT1):c.81A>G (p.Ile27Met)

Gene: HINT1 (histidine triad nucleotide binding protein 1; minus strand). Cytogenetic location: 5q23.3.
Variant type: single nucleotide variant.
Coding change: c.81A>G on transcript NM_005340.7 (MANE Select); coding-DNA position 81, A replaced by G.
Protein change: p.Ile27Met; replaces isoleucine 27 with methionine.
Molecular consequence: missense variant. On other transcripts: non-coding transcript variant (5).
Genome position (GRCh38, 1-based): chr5:131,165,125, T>C on the plus strand (A>G on the coding strand, the complement: HINT1 is on the minus strand). VCF-style: chr5-131165125-T-C. GRCh37 (hg19) VCF-style: chr5-130500818-T-C.
Other names: short protein forms I27M.
Identifiers: ClinVar variation 575871 (VCV000575871.6), dbSNP rs1561538396, ClinGen allele CA360839044.
Genomic context (GRCh38, chr5:131,165,125, plus strand): 5'-CAGGCGAGAGAGGTGGTGCCCAGTACCTACCCGGTCATCCTCAAAAATGATTTTGGCTGG[T>C]ATTTCCTTGCGGATGATCTTCCCAAAGATCGTGTCGCCACCAGGCCGAGCGACCTGAGCC-3'
Protein context (NP_005331.1, residues 17-37): TIFGKIIRKE[Ile27Met]PAKIIFEDDR